The following is an entry in ClinVar:

NM_024757.5(EHMT1):c.2023G>A (p.Ala675Thr)

Gene: EHMT1 (euchromatic histone lysine methyltransferase 1; plus strand). Cytogenetic location: 9q34.3.
Variant type: single nucleotide variant.
Coding change: c.2023G>A on transcript NM_024757.5 (MANE Select); coding-DNA position 2023, G replaced by A.
Protein change: p.Ala675Thr; replaces alanine 675 with threonine.
Molecular consequence: missense variant.
Genome position (GRCh38, 1-based): chr9:137,777,886, G>A. VCF-style: chr9-137777886-G-A. GRCh37 (hg19) VCF-style: chr9-140672338-G-A.
Other names: c.2023G>A, p.Ala675Thr (NM_001145527.2); c.1930G>A, p.Ala644Thr (NM_001354259.2); c.2002G>A, p.Ala668Thr (NM_001354263.2); short protein forms A675T, A668T, A644T.
Identifiers: ClinVar variation 1487558 (VCV001487558.8), dbSNP rs1275795367, ClinGen allele CA375778022.

ClinVar aggregate classification (germline): Uncertain significance (1 of 4 stars; one submission).

Conditions:
Kleefstra syndrome 1 (KLEFS1). Identifiers: Orphanet 261494, MedGen C0795833, MONDO:0027407, OMIM 610253.

Allele frequency attached by ClinVar (database versions not stated): gnomAD exomes below 0.00001.
gnomAD v4.1: 2 of 1,612,992 alleles (0.00012%); highest among the groups gnomAD compares: Non-Finnish European, 0.00017%; no homozygotes.

Submission:

Labcorp Genetics (formerly Invitae), Labcorp
Classification: Uncertain significance for Kleefstra syndrome 1. Last evaluated: 2024-02-23. Review status: criteria provided, single submitter. Criteria: Invitae Variant Classification Sherloc (09022015). Collection method: clinical testing. Allele origin: germline.
Comment: This sequence change replaces alanine, which is neutral and non-polar, with threonine, which is neutral and polar, at codon 675 of the EHMT1 protein (p.Ala675Thr). This variant is present in population databases (no rsID available, gnomAD 0.0009%). This variant has not been reported in the literature in individuals affected with EHMT1-related conditions. ClinVar contains an entry for this variant (Variation ID: 1487558). Advanced modeling of protein sequence and biophysical properties (such as structural, functional, and spatial information, amino acid conservation, physicochemical variation, residue mobility, and thermodynamic stability) performed at Invitae indicates that this missense variant is not expected to disrupt EHMT1 protein function with a negative predictive value of 80%. In summary, the available evidence is currently insufficient to determine the role of this variant in disease. Therefore, it has been classified as a Variant of Uncertain Significance.